The following is an entry in ClinVar:

NM_015488.5(PNKD):c.833T>G (p.Val278Gly)

Genes: CATIP-AS2 (CATIP antisense RNA 2; minus strand), PNKD (PNKD metallo-beta-lactamase domain containing; plus strand). Cytogenetic location: 2q35.
Variant type: single nucleotide variant.
Coding change: c.833T>G on transcript NM_015488.5 (MANE Select); coding-DNA position 833, T replaced by G.
Protein change: p.Val278Gly; replaces valine 278 with glycine.
Molecular consequence: missense variant.
Genome position (GRCh38, 1-based): chr2:218,343,551, T>G. VCF-style: chr2-218343551-T-G. GRCh37 (hg19) VCF-style: chr2-219208274-T-G.
Other names: c.761T>G, p.Val254Gly (NM_022572.5); short protein forms V278G, V254G.
Identifiers: ClinVar variation 1436452 (VCV001436452.6), dbSNP rs1220987446, ClinGen allele CA350542144.
Genomic context (GRCh38, chr2:218,343,551, plus strand): 5'-CCCACCCAGGGCGGACCTTTGAGGGCAATGCAGAGACCATGCTGAGCTCACTGGACACTG[T>G]GCTGGGGCTAGGGGATGACACCCTTCTGTGGCCTGGTGAGACACCCCCTTACTACTCCCC-3'
Protein context (NP_056303.3, residues 268-288): AETMLSSLDT[Val278Gly]LGLGDDTLLW

ClinVar aggregate classification (germline): Uncertain significance (1 of 4 stars; one submission).

Conditions:
Paroxysmal nonkinesigenic dyskinesia. Also called: Paroxysmal non-kinesigenic dyskinesia. Identifiers: Orphanet 98810, MedGen C1869117, MONDO:0700088.

Allele frequency attached by ClinVar (database versions not stated): gnomAD exomes below 0.00001; TOPMed 0.00002; gnomAD 0.00004 and 0.00006.
gnomAD v4.1: 8 of 1,613,582 alleles (0.0005%); highest among the groups gnomAD compares: African/African-American, 0.011%; no homozygotes.

Submission:

Labcorp Genetics (formerly Invitae), Labcorp
Classification: Uncertain significance for Paroxysmal nonkinesigenic dyskinesia. Last evaluated: 2025-01-14. Review status: criteria provided, single submitter. Criteria: Invitae Variant Classification Sherloc (09022015). Collection method: clinical testing. Allele origin: germline.
Comment: This sequence change replaces valine, which is neutral and non-polar, with glycine, which is neutral and non-polar, at codon 278 of the PNKD protein (p.Val278Gly). This variant is present in population databases (no rsID available, gnomAD 0.01%). This variant has not been reported in the literature in individuals affected with PNKD-related conditions. ClinVar contains an entry for this variant (Variation ID: 1436452). Invitae Evidence Modeling of protein sequence and biophysical properties (such as structural, functional, and spatial information, amino acid conservation, physicochemical variation, residue mobility, and thermodynamic stability) has been performed for this missense variant. However, the output from this modeling did not meet the statistical confidence thresholds required to predict the impact of this variant on PNKD protein function. Algorithms developed to predict the effect of sequence changes on RNA splicing suggest that this variant may disrupt the consensus splice site. In summary, the available evidence is currently insufficient to determine the role of this variant in disease. Therefore, it has been classified as a Variant of Uncertain Significance.